The following is an entry in ClinVar:

ClinVar aggregate classification (germline): Uncertain significance. Review status: criteria provided, multiple submitters, no conflicts (2 of 4 stars). 5 submissions from 5 submitters: Uncertain significance (5). Last evaluated 2024-12-24.

Conditions:
Hermansky-Pudlak syndrome 1 (HPS1). Also called: DELTA STORAGE POOL DISEASE. Identifiers: Orphanet 231500, Orphanet 79430, MedGen C2931875, MONDO:0008748, OMIM 203300.

Allele frequency attached by ClinVar (database versions not stated): ESP Exome Variant Server 0.00008.
gnomAD v4.1: 86 of 1,610,530 alleles (0.0053%); highest among the groups gnomAD compares: Middle Eastern, 0.066%; no homozygotes.

Submissions (5):

Mayo Clinic Laboratories, Mayo Clinic
Classification: Uncertain significance. Last evaluated: 2024-12-24. Review status: criteria provided, single submitter. Criteria: ACMG Guidelines, 2015. Collection method: clinical testing. Allele origin: germline. Observed: 1 variant allele.
Comment: PM2_supporting

Blueprint Genetics
Classification: Uncertain significance. Last evaluated: 2024-05-28. Review status: criteria provided, single submitter. Criteria: ACMG Guidelines, 2015. Collection method: clinical testing. Allele origin: germline.

Fulgent Genetics
Classification: Uncertain significance for Hermansky-Pudlak syndrome 1. Last evaluated: 2024-03-29. Review status: criteria provided, single submitter. Criteria: ACMG Guidelines, 2015. Collection method: clinical testing. Allele origin: germline.

Labcorp Genetics (formerly Invitae), Labcorp
Classification: Uncertain significance. Last evaluated: 2022-09-26. Review status: criteria provided, single submitter. Criteria: Invitae Variant Classification Sherloc (09022015). Collection method: clinical testing. Allele origin: germline.
Comment: This sequence change replaces proline, which is neutral and non-polar, with arginine, which is basic and polar, at codon 573 of the HPS1 protein (p.Pro573Arg). This variant is present in population databases (rs372351461, gnomAD 0.03%). This variant has not been reported in the literature in individuals affected with HPS1-related conditions. ClinVar contains an entry for this variant (Variation ID: 1336113). Advanced modeling of protein sequence and biophysical properties (such as structural, functional, and spatial information, amino acid conservation, physicochemical variation, residue mobility, and thermodynamic stability) performed at Invitae indicates that this missense variant is not expected to disrupt HPS1 protein function. In summary, the available evidence is currently insufficient to determine the role of this variant in disease. Therefore, it has been classified as a Variant of Uncertain Significance.

Genetic Services Laboratory, University of Chicago
Classification: Uncertain significance. Last evaluated: 2018-06-08. Review status: criteria provided, single submitter. Criteria: ACMG Guidelines, 2015. Collection method: clinical testing. Allele origin: germline. Affected: no.

NM_000195.5(HPS1):c.1718C>G (p.Pro573Arg)

Gene: HPS1 (HPS1 biogenesis of lysosomal organelles complex 3 subunit 1; minus strand). Cytogenetic location: 10q24.2.
Variant type: single nucleotide variant.
Coding change: c.1718C>G on transcript NM_000195.5 (MANE Select); coding-DNA position 1718, C replaced by G.
Protein change: p.Pro573Arg; replaces proline 573 with arginine.
Molecular consequence: missense variant.
Genome position (GRCh38, 1-based): chr10:98,422,394, G>C on the plus strand (C>G on the coding strand, the complement: HPS1 is on the minus strand). VCF-style: chr10-98422394-G-C. GRCh37 (hg19) VCF-style: chr10-100182151-G-C.
Other names: p.Pro573Arg; c.746C>G, p.Pro249Arg (NM_001311345.2, NM_001322487.2, NM_001322489.2); c.1718C>G, p.Pro573Arg (NM_001322476.2, NM_001322477.2); c.1619C>G, p.Pro540Arg (NM_001322478.2, NM_001322479.2); c.1457C>G, p.Pro486Arg (NM_001322480.2, NM_001322481.2); c.1358C>G, p.Pro453Arg (NM_001322482.2); c.1349C>G, p.Pro450Arg (NM_001322483.2, NM_001322484.2); c.1250C>G, p.Pro417Arg (NM_001322485.2); short protein forms P249R, P417R, P450R, P453R, P486R, P540R, P573R.
Identifiers: ClinVar variation 1336113 (VCV001336113.9), dbSNP rs372351461, ClinGen allele CA5638911.